The following is an entry in ClinVar:

ClinVar aggregate classification (germline): Uncertain significance (1 of 4 stars; one submission).

Submission:

GeneDx
Classification: Uncertain significance. Last evaluated: 2019-11-26. Review status: criteria provided, single submitter. Criteria: GeneDx Variant Classification Process June 2021. Collection method: clinical testing. Allele origin: germline. Affected: yes.
Comment: Not observed in large population cohorts (Lek et al., 2016); In silico analysis, which includes protein predictors and evolutionary conservation, supports that this variant does not alter protein structure/function; Has not been previously published as pathogenic or benign to our knowledge

NM_152515.5(CKAP2L):c.907A>G (p.Ile303Val)

Gene: CKAP2L (cytoskeleton associated protein 2 like; minus strand). Cytogenetic location: 2q14.1.
Variant type: single nucleotide variant.
Coding change: c.907A>G on transcript NM_152515.5 (MANE Select); coding-DNA position 907, A replaced by G.
Protein change: p.Ile303Val; replaces isoleucine 303 with valine.
Molecular consequence: missense variant.
Genome position (GRCh38, 1-based): chr2:112,756,464, T>C on the plus strand (A>G on the coding strand, the complement: CKAP2L is on the minus strand). VCF-style: chr2-112756464-T-C. GRCh37 (hg19) VCF-style: chr2-113514041-T-C.
Other names: c.412A>G, p.Ile138Val (NM_001304361.2); short protein forms I138V, I303V.
Identifiers: ClinVar variation 1310427 (VCV001310427.2), dbSNP rs2104883971, ClinGen allele CA348297197.